The following is an entry in ClinVar:

NM_000404.4(GLB1):c.76-4376G>A

Gene: GLB1 (galactosidase beta 1; minus strand). Cytogenetic location: 3p22.3.
Variant type: single nucleotide variant.
Coding change: c.76-4376G>A on transcript NM_000404.4 (MANE Select); 4376 bases into the intron before coding-DNA position 76, G replaced by A.
Molecular consequence: intron variant.
Genome position (GRCh38, 1-based): chr3:33,077,089, C>T on the plus strand (G>A on the coding strand, the complement: GLB1 is on the minus strand). VCF-style: chr3-33077089-C-T. GRCh37 (hg19) VCF-style: chr3-33118581-C-T.
Other names: c.76-4376G>A (NM_001393580.1, NM_001135602.3); c.219+5G>A (NM_001317040.2); c.-15-4376G>A (NM_001079811.3).
Identifiers: ClinVar variation 3039574 (VCV003039574.11), dbSNP rs183537737, ClinGen allele CA2299802.
Genomic context (GRCh38, chr3:33,077,089, plus strand): 5'-GTCTGGGGAACATGGCGAGACCCTGTCTCTATAAAAAAAAAAATTAAAATTAGTGTCTCC[C>T]TCACCCACTGCTGCCGCCTCCTTCTTCTCCCACTCCTGTTGCTGCTTGCGTGCTCATTCG-3'

ClinVar aggregate classification (germline): Likely benign. Review status: criteria provided, multiple submitters, no conflicts (2 of 4 stars). 3 submissions from 3 submitters: Likely benign (2). 1 of the submissions does not count toward it. Last evaluated 2025-07-01.

Conditions:
GLB1-related disorder. Also called: GLB1-related disorders. Identifiers: MedGen CN377807.

Allele frequency attached by ClinVar (database versions not stated): ExAC 0.00006; gnomAD exomes 0.00021; gnomAD 0.00061; TOPMed 0.00085; 1000 Genomes Project 30x 0.00156; 1000 Genomes Project 0.00180.
gnomAD v4.1: 438 of 1,388,126 alleles (0.032%); highest among the groups gnomAD compares: East Asian, 1.2%; 8 homozygotes.

Submissions (3):

CeGaT Center for Human Genetics Tuebingen
Classification: Likely benign. Last evaluated: 2025-07-01. Review status: criteria provided, single submitter. Criteria: CeGaT Center For Human Genetics Tuebingen Variant Classification Criteria Version 2. Collection method: clinical testing. Allele origin: germline. Affected: yes. Observed: 1 variant allele.
Comment: GLB1: BP4, BS1

Blueprint Genetics
Classification: Likely benign. Last evaluated: 2024-11-20. Review status: criteria provided, single submitter. Criteria: ACMG Guidelines, 2015. Collection method: clinical testing. Allele origin: germline.

PreventionGenetics, part of Exact Sciences
Classification: Benign for GLB1-related condition. Last evaluated: 2024-06-15. Review status: no assertion criteria provided. Collection method: clinical testing. Allele origin: germline. Not counted in ClinVar's aggregate classification.
Comment: This variant is classified as benign based on ACMG/AMP sequence variant interpretation guidelines (Richards et al. 2015 PMID: 25741868, with internal and published modifications).